The following is an entry in ClinVar:

ClinVar aggregate classification (germline): Pathogenic (1 of 4 stars; one submission).

Conditions:
Arrhythmogenic cardiomyopathy with wooly hair and keratoderma. Also called: PALMOPLANTAR KERATODERMA WITH LEFT VENTRICULAR CARDIOMYOPATHY AND WOOLLY HAIR; Arrhythmogenic cardiomyopathy with woolly hair and keratoderma; Carvajal syndrome; Dilated cardiomyopathy with woolly hair and keratoderma. Identifiers: Orphanet 65282, MedGen C1854063, MONDO:0011581, OMIM 605676.
Arrhythmogenic right ventricular dysplasia 8 (ARVD8). Also called: ARRHYTHMOGENIC RIGHT VENTRICULAR DYSPLASIA, FAMILIAL, 8; ARRHYTHMOGENIC RIGHT VENTRICULAR CARDIOMYOPATHY 8; Arrhythmogenic Right Ventricular Dysplasia/Cardiomyopathy 8. Identifiers: MedGen C1843896, MONDO:0011831, OMIM 607450.

Submission:

Labcorp Genetics (formerly Invitae), Labcorp
Classification: Pathogenic for Arrhythmogenic cardiomyopathy with wooly hair and keratoderma; Arrhythmogenic right ventricular dysplasia 8. Last evaluated: 2023-10-18. Review status: criteria provided, single submitter. Criteria: Invitae Variant Classification Sherloc (09022015). Collection method: clinical testing. Allele origin: germline.
Comment: This sequence change creates a premature translational stop signal (p.Gln1446Hisfs*6) in the DSP gene. It is expected to result in an absent or disrupted protein product. Loss-of-function variants in DSP are known to be pathogenic (PMID: 20716751, 24503780, 25227139). This variant is not present in population databases (gnomAD no frequency). This variant has not been reported in the literature in individuals affected with DSP-related conditions. ClinVar contains an entry for this variant (Variation ID: 1069787). For these reasons, this variant has been classified as Pathogenic.

Literature cited by the submitters: PubMed 20716751; PubMed 24503780; PubMed 25227139.

NM_004415.4(DSP):c.4337_4338insTGCT (p.Gln1446fs)

Gene: DSP (desmoplakin; plus strand). Cytogenetic location: 6p24.3.
Variant type: Insertion.
Coding change: c.4337_4338insTGCT on transcript NM_004415.4 (MANE Select); coding-DNA positions 4337 to 4338, TGCT inserted.
Protein change: p.Gln1446fs; shifts the reading frame from glutamine 1446.
Molecular consequence: frameshift variant. On other transcripts: intron variant (2).
Genome position: GRCh38 VCF-style: chr6-7580527-A-ATGCT. GRCh37 (hg19) VCF-style: chr6-7580760-A-ATGCT.
Other names: c.4050+287_4050+288insTGCT (NM_001319034.2); c.3582+755_3582+756insTGCT (NM_001008844.3); short protein forms Q1446fs.
Identifiers: ClinVar variation 1069787 (VCV001069787.7), dbSNP rs2113693861, ClinGen allele CA2499218558.